The following is an entry in ClinVar:

ClinVar aggregate classification (germline): Uncertain significance (1 of 4 stars; one submission).

Conditions:
Immunodeficiency 23 (IMD23). Also called: IMMUNODEFICIENCY WITH HYPER IgE AND COGNITIVE IMPAIRMENT; IMMUNODEFICIENCY-VASCULITIS-MYOCLONUS SYNDROME. Identifiers: Orphanet 443811, MedGen C4014371, MONDO:0014353, OMIM 615816.

Allele frequency attached by ClinVar (database versions not stated): gnomAD exomes 0.00002.
gnomAD v4.1: 13 of 1,614,128 alleles (0.00081%); highest among the groups gnomAD compares: Non-Finnish European, 0.0011%; no homozygotes.

Submission:

Labcorp Genetics (formerly Invitae), Labcorp
Classification: Uncertain significance for Immunodeficiency 23. Last evaluated: 2022-02-15. Review status: criteria provided, single submitter. Criteria: Invitae Variant Classification Sherloc (09022015). Collection method: clinical testing. Allele origin: germline.
Comment: In summary, the available evidence is currently insufficient to determine the role of this variant in disease. Therefore, it has been classified as a Variant of Uncertain Significance. Algorithms developed to predict the effect of missense changes on protein structure and function are either unavailable or do not agree on the potential impact of this missense change (SIFT: "Deleterious"; PolyPhen-2: "Benign"; Align-GVGD: "Class C35"). This variant has not been reported in the literature in individuals affected with PGM3-related conditions. This variant is not present in population databases (gnomAD no frequency). This sequence change replaces lysine, which is basic and polar, with asparagine, which is neutral and polar, at codon 515 of the PGM3 protein (p.Lys515Asn).

NM_015599.3(PGM3):c.1461G>C (p.Lys487Asn)

Genes: DOP1A (DOP1 leucine zipper like protein A; plus strand), PGM3 (phosphoglucomutase 3; minus strand). Cytogenetic location: 6q14.1.
Variant type: single nucleotide variant.
Coding change: c.1461G>C on transcript NM_015599.3 (MANE Select); coding-DNA position 1461, G replaced by C.
Protein change: p.Lys487Asn; replaces lysine 487 with asparagine.
Molecular consequence: missense variant. On other transcripts: non-coding transcript variant (2).
Genome position (GRCh38, 1-based): chr6:83,170,383, C>G on the plus strand (G>C on the coding strand, the complement: PGM3 is on the minus strand). VCF-style: chr6-83170383-C-G. GRCh37 (hg19) VCF-style: chr6-83880102-C-G.
Other names: c.1545G>C, p.Lys515Asn (NM_001199917.2, NM_001367287.1); c.1218G>C, p.Lys406Asn (NM_001199918.2); c.1461G>C, p.Lys487Asn (NM_001199919.2); c.1338G>C, p.Lys446Asn (NM_001367286.1); short protein forms K406N, K446N, K487N, K515N.
Identifiers: ClinVar variation 1370589 (VCV001370589.6), dbSNP rs2128479028, ClinGen allele CA364878441.